The following is an entry in ClinVar:

ClinVar aggregate classification (germline): Uncertain significance (1 of 4 stars; one submission).

Conditions:
Developmental and epileptic encephalopathy, 30 (DEE30). Also called: Epileptic encephalopathy, early infantile, 30. Identifiers: MedGen C4225360, MONDO:0014595, OMIM 616341.

Submission:

Labcorp Genetics (formerly Invitae), Labcorp
Classification: Uncertain significance for Developmental and epileptic encephalopathy, 30. Last evaluated: 2025-01-30. Review status: criteria provided, single submitter. Criteria: Invitae Variant Classification Sherloc (09022015). Collection method: clinical testing. Allele origin: germline.
Comment: This sequence change replaces proline, which is neutral and non-polar, with alanine, which is neutral and non-polar, at codon 550 of the SIK1 protein (p.Pro550Ala). This variant is not present in population databases (gnomAD no frequency). This variant has not been reported in the literature in individuals affected with SIK1-related conditions. Invitae Evidence Modeling of protein sequence and biophysical properties (such as structural, functional, and spatial information, amino acid conservation, physicochemical variation, residue mobility, and thermodynamic stability) indicates that this missense variant is not expected to disrupt SIK1 protein function with a negative predictive value of 95%. In summary, the available evidence is currently insufficient to determine the role of this variant in disease. Therefore, it has been classified as a Variant of Uncertain Significance.

NM_173354.5(SIK1):c.1648C>G (p.Pro550Ala)

Gene: SIK1 (salt inducible kinase 1; minus strand). Cytogenetic location: 21q22.3.
Variant type: single nucleotide variant.
Coding change: c.1648C>G on transcript NM_173354.5 (MANE Select); coding-DNA position 1648, C replaced by G.
Protein change: p.Pro550Ala; replaces proline 550 with alanine.
Molecular consequence: missense variant.
Genome position (GRCh38, 1-based): chr21:43,418,356, G>C on the plus strand (C>G on the coding strand, the complement: SIK1 is on the minus strand). VCF-style: chr21-43418356-G-C. GRCh37 (hg19) VCF-style: chr21-44838236-G-C.
Other names: short protein forms P550A.
Identifiers: ClinVar variation 3606311 (VCV003606311.2).